The following is an entry in ClinVar:

ClinVar aggregate classification (germline): Uncertain significance (1 of 4 stars; one submission).

Conditions:
Symmetrical dyschromatosis of extremities (DSH). Also called: RETICULATE ACROPIGMENTATION OF DOHI; SYMMETRIC DYSCHROMATOSIS OF THE EXTREMITIES; Dyschromatosis symmetrica hereditaria; DYSCHROMATOSIS SYMMETRICA HEREDITARIA 1. Identifiers: Orphanet 41, MedGen C0406775, MONDO:0007483, OMIM 127400.
Aicardi-Goutieres syndrome 6 (AGS6). Identifiers: Orphanet 51, MedGen C3539013, MONDO:0014007, OMIM 615010.

Allele frequency attached by ClinVar (database versions not stated): TOPMed below 0.00001; ExAC 0.00001; gnomAD 0.00001.
gnomAD v4.1: 1 of 1,613,980 alleles (0.000062%); highest among the groups gnomAD compares: African/African-American, 0.0013%; no homozygotes.

Submission:

Labcorp Genetics (formerly Invitae), Labcorp
Classification: Uncertain significance for Aicardi-Goutieres syndrome 6; Symmetrical dyschromatosis of extremities. Last evaluated: 2024-06-24. Review status: criteria provided, single submitter. Criteria: Invitae Variant Classification Sherloc (09022015). Collection method: clinical testing. Allele origin: germline.
Comment: This sequence change replaces lysine, which is basic and polar, with arginine, which is basic and polar, at codon 875 of the ADAR protein (p.Lys875Arg). This variant is present in population databases (rs751955732, gnomAD 0.008%). This variant has not been reported in the literature in individuals affected with ADAR-related conditions. ClinVar contains an entry for this variant (Variation ID: 2025366). Advanced modeling of protein sequence and biophysical properties (such as structural, functional, and spatial information, amino acid conservation, physicochemical variation, residue mobility, and thermodynamic stability) performed at Invitae indicates that this missense variant is not expected to disrupt ADAR protein function with a negative predictive value of 80%. In summary, the available evidence is currently insufficient to determine the role of this variant in disease. Therefore, it has been classified as a Variant of Uncertain Significance.

NM_001111.5(ADAR):c.2624A>G (p.Lys875Arg)

Genes: ADAR (adenosine deaminase RNA specific; minus strand), LOC126805874 (CDK7 strongly-dependent group 2 enhancer GRCh37_chr1:154561176-154562375; plus strand). Cytogenetic location: 1q21.3.
Variant type: single nucleotide variant.
Coding change: c.2624A>G on transcript NM_001111.5 (MANE Select); coding-DNA position 2624, A replaced by G.
Protein change: p.Lys875Arg; replaces lysine 875 with arginine.
Molecular consequence: missense variant.
Genome position (GRCh38, 1-based): chr1:154,589,801, T>C on the plus strand (A>G on the coding strand, the complement: ADAR is on the minus strand). VCF-style: chr1-154589801-T-C. GRCh37 (hg19) VCF-style: chr1-154562277-T-C.
Other names: c.1739A>G, p.Lys580Arg (NM_001025107.3, NM_001193495.2, NM_001365046.1 and 2 more transcripts); c.2651A>G, p.Lys884Arg (NM_001365045.1); c.1661A>G, p.Lys554Arg (NM_001365049.1); c.2546A>G, p.Lys849Arg (NM_015840.4); c.2489A>G, p.Lys830Arg (NM_015841.4); short protein forms K580R, K875R, K884R, K554R, K830R, K849R.
Identifiers: ClinVar variation 2025366 (VCV002025366.4), dbSNP rs751955732, ClinGen allele CA1131214.
Genomic context (GRCh38, chr1:154,589,801, plus strand): 5'-TCAGAGCCTCACTCACCTGTTCCCAAGCTGACGACGACACCCATGTCCTCAGAGTCTTTT[T>C]TCATAATGATGGCGGCCAGAATCTTGCGGCCGAGCAAGGAGGGCTGGAAGCTGTTAGTCA-3'
Protein context (NP_001102.3, residues 865-885): GRKILAAIIM[Lys875Arg]KDSEDMGVVV